The following is an entry in ClinVar:

NM_001384732.1(CPLANE1):c.5512A>G (p.Thr1838Ala)

Gene: CPLANE1 (ciliogenesis and planar polarity effector complex subunit 1; minus strand). Cytogenetic location: 5p13.2.
Variant type: single nucleotide variant.
Coding change: c.5512A>G on transcript NM_001384732.1 (MANE Select); coding-DNA position 5512, A replaced by G.
Protein change: p.Thr1838Ala; replaces threonine 1838 with alanine.
Molecular consequence: missense variant.
Genome position (GRCh38, 1-based): chr5:37,180,915, T>C on the plus strand (A>G on the coding strand, the complement: CPLANE1 is on the minus strand). VCF-style: chr5-37180915-T-C. GRCh37 (hg19) VCF-style: chr5-37181017-T-C.
Other names: p.Thr1838Ala; c.5512A>G, p.Thr1838Ala (NM_023073.4); short protein forms T1838A.
Identifiers: ClinVar variation 158042 (VCV000158042.23), dbSNP rs76245173, ClinGen allele CA171447.
Genomic context (GRCh38, chr5:37,180,915, plus strand): 5'-ACTTCAAGATATTTTGACAAGATTTATTCTGACCATTTCTTTCCTCAGTTCCACCTGGAG[T>C]TGCTACTGCAACTGAACCGCCAGCATCTGATTTGCTCTCCCTCTCAATATTGGGTCCAAT-3'
Protein context (NP_001371661.1, residues 1828-1848): SDAGGSVAVA[Thr1838Ala]PGGTEERNGQ

ClinVar aggregate classification (germline): Benign/Likely benign. Review status: criteria provided, multiple submitters, no conflicts (2 of 4 stars). 8 submissions from 8 submitters: Benign (6); Likely benign (1). 1 of the submissions does not count toward it. Last evaluated 2026-02-01.

Conditions:
Joubert syndrome 17 (JBTS17). Identifiers: Orphanet 475, MedGen C3553264, MONDO:0013824, OMIM 614615.
Orofaciodigital syndrome type 6 (OFD6). Also called: OROFACIODIGITAL SYNDROME VI; OFDS VI; POLYDACTYLY, CLEFT LIP/PALATE OR LINGUAL LUMP, AND PSYCHOMOTOR RETARDATION; VARADI SYNDROME; VARADI-PAPP SYNDROME; Oral-facial-digital syndrome type 6. Identifiers: Orphanet 2754, MedGen C2745997, MONDO:0010176, OMIM 277170.

Allele frequency attached by ClinVar (database versions not stated): gnomAD exomes 0.00468 and 0.00730; ExAC 0.00848; gnomAD 0.01732 and 0.01809; TOPMed 0.01919; 1000 Genomes Project 0.01937; ESP Exome Variant Server 0.02114; 1000 Genomes Project 30x 0.02186.
gnomAD v4.1: 9,617 of 1,613,928 alleles (0.6%); highest among the groups gnomAD compares: African/African-American, 5.4%; 133 homozygotes.

Submissions (8):

Labcorp Genetics (formerly Invitae), Labcorp
Classification: Benign. Last evaluated: 2026-02-01. Review status: criteria provided, single submitter. Criteria: Invitae Variant Classification Sherloc (09022015). Collection method: clinical testing. Allele origin: germline.

Mayo Clinic Laboratories, Mayo Clinic
Classification: Benign. Last evaluated: 2023-04-03. Review status: criteria provided, single submitter. Criteria: ACMG Guidelines, 2015. Collection method: clinical testing. Allele origin: germline. Observed: 3 variant alleles.

Fulgent Genetics
Classification: Likely benign for Orofaciodigital syndrome type 6; Joubert syndrome 17. Last evaluated: 2021-09-15. Review status: criteria provided, single submitter. Criteria: ACMG Guidelines, 2015. Collection method: clinical testing. Allele origin: unknown.

Illumina Laboratory Services, Illumina
Classification: Benign for Joubert syndrome 17. Last evaluated: 2018-01-13. Review status: criteria provided, single submitter. Criteria: ICSL Variant Classification Criteria 13 December 2019. Collection method: clinical testing. Allele origin: germline.
Comment: This variant was observed in the ICSL laboratory as part of a predisposition screen in an ostensibly healthy population. It had not been previously curated by ICSL or reported in the Human Gene Mutation Database (HGMD: prior to June 1st, 2018), and was therefore a candidate for classification through an automated scoring system. Utilizing variant allele frequency, disease prevalence and penetrance estimates, and inheritance mode, an automated score was calculated to assess if this variant is too frequent to cause the disease. Based on the score and internal cut-off values, a variant classified as benign is not then subjected to further curation. The score for this variant resulted in a classification of benign for this disease.

GeneDx
Classification: Benign. Last evaluated: 2016-05-23. Review status: criteria provided, single submitter. Criteria: GeneDx Variant Classification (06012015). Collection method: clinical testing. Allele origin: germline. Affected: yes.
Comment: This variant is considered likely benign or benign based on one or more of the following criteria: it is a conservative change, it occurs at a poorly conserved position in the protein, it is predicted to be benign by multiple in silico algorithms, and/or has population frequency not consistent with disease.

Breakthrough Genomics
Classification: Benign. Review status: criteria provided, single submitter. Criteria: ACMG Guidelines, 2015. Collection method: not provided. Allele origin: germline. Inheritance: Autosomal recessive inheritance. Affected: yes.

PreventionGenetics, part of Exact Sciences
Classification: Benign. Review status: criteria provided, single submitter. Criteria: ACMG Guidelines, 2015. Collection method: clinical testing. Allele origin: germline.

Genetic Services Laboratory, University of Chicago
Classification: Likely benign. Review status: no assertion criteria provided. Collection method: clinical testing. Allele origin: germline. Inheritance: Autosomal recessive inheritance. Not counted in ClinVar's aggregate classification.
Comment: Likely benign based on allele frequency in 1000 Genomes Project or ESP global frequency and its presence in a patient with a rare or unrelated disease phenotype. NOT Sanger confirmed